The following is an entry in ClinVar:

NM_019098.5(CNGB3):c.1253T>C (p.Phe418Ser)

Gene: CNGB3 (cyclic nucleotide gated channel subunit beta 3; minus strand). Cytogenetic location: 8q21.3.
Variant type: single nucleotide variant.
Coding change: c.1253T>C on transcript NM_019098.5 (MANE Select); coding-DNA position 1253, T replaced by C.
Protein change: p.Phe418Ser; replaces phenylalanine 418 with serine.
Molecular consequence: missense variant.
Genome position (GRCh38, 1-based): chr8:86,632,819, A>G on the plus strand (T>C on the coding strand, the complement: CNGB3 is on the minus strand). VCF-style: chr8-86632819-A-G. GRCh37 (hg19) VCF-style: chr8-87645047-A-G.
Other names: short protein forms F418S.
Identifiers: ClinVar variation 4900986 (VCV004900986.2).

ClinVar aggregate classification (germline): Uncertain significance. Review status: criteria provided, multiple submitters, no conflicts (2 of 4 stars). 2 submissions from 2 submitters: Uncertain significance (2). Last evaluated 2026-06-18.

Conditions:
Achromatopsia 3 (ACHM3). Also called: ACHROMATOPSIA WITH MYOPIA; PINGELAPESE BLINDNESS; TOTAL COLORBLINDNESS WITH MYOPIA; ROD MONOCHROMACY 1; ROD MONOCHROMATISM 1. Identifiers: Orphanet 49382, MedGen C1849792, MONDO:0009875, OMIM 262300.

gnomAD v4.1: 1 of 1,613,026 alleles (0.000062%); highest among the groups gnomAD compares: South Asian, 0.0011%; no homozygotes.

Submissions (2):

Myriad Genetics, Inc.
Classification: Uncertain significance for Achromatopsia 3. Last evaluated: 2026-06-18. Review status: criteria provided, single submitter. Criteria: Myriad Autosomal Dominant, Autosomal Recessive and X-Linked Classification Criteria (2023). Collection method: clinical testing. Allele origin: unknown.
Comment: NM_019098.4(CNGB3):c.1253T>C(F418S) is a missense variant classified as a variant of uncertain significance in the context of achromatopsia, CNGB3-related. F418S has been observed in a case with relevant disease (PMID: 39761966). Relevant functional assessments of this variant are not available in the literature. F418S has not been observed in referenced population frequency databases. In summary, there is insufficient evidence to classify NM_019098.4(CNGB3):c.1253T>C(F418S) as pathogenic or benign. Please note: this variant was assessed in the context of healthy population screening.

Blueprint Genetics
Classification: Uncertain significance. Last evaluated: 2021-05-28. Review status: criteria provided, single submitter. Criteria: ACMG Guidelines, 2015. Collection method: clinical testing. Allele origin: germline.

Literature cited by the submitters: PubMed 39761966 (cited by Myriad Genetics, Inc.).